The following is an entry in ClinVar:

ClinVar aggregate classification (germline): Benign (1 of 4 stars; one submission).

Allele frequency attached by ClinVar (database versions not stated): TOPMed 0.76581; 1000 Genomes Project 0.63858; gnomAD 0.75849 and 0.77226; 1000 Genomes Project 30x 0.64944.

Submission:

GeneDx
Classification: Benign. Last evaluated: 2018-06-18. Review status: criteria provided, single submitter. Criteria: GeneDx Variant Classification (06012015). Collection method: clinical testing. Allele origin: germline. Affected: yes.
Comment: This variant is considered likely benign or benign based on one or more of the following criteria: it is a conservative change, it occurs at a poorly conserved position in the protein, it is predicted to be benign by multiple in silico algorithms, and/or has population frequency not consistent with disease.

NM_014000.2(VCL):c.-386A>G

Genes: VCL (vinculin; plus strand), LOC130004108 (ATAC-STARR-seq lymphoblastoid silent region 2498; plus strand). Cytogenetic location: 10q22.2.
Variant type: single nucleotide variant.
Coding change: c.-386A>G on transcript NM_014000.2; 386 bases upstream of the start codon, A replaced by G.
Genome position (GRCh38, 1-based): chr10:73,997,822, A>G. VCF-style: chr10-73997822-A-G. GRCh37 (hg19) VCF-style: chr10-75757580-A-G.
Identifiers: ClinVar variation 684057 (VCV000684057.3), dbSNP rs3812624, ClinGen allele CA16394544.